The following is an entry in ClinVar:

NM_177438.3(DICER1):c.5675G>C (p.Gly1892Ala)

Gene: DICER1 (dicer 1, ribonuclease III; minus strand). Cytogenetic location: 14q32.13.
Variant type: single nucleotide variant.
Coding change: c.5675G>C on transcript NM_177438.3 (MANE Select); coding-DNA position 5675, G replaced by C.
Protein change: p.Gly1892Ala; replaces glycine 1892 with alanine.
Molecular consequence: missense variant. On other transcripts: 3 prime UTR variant (1).
Genome position (GRCh38, 1-based): chr14:95,090,592, C>G on the plus strand (G>C on the coding strand, the complement: DICER1 is on the minus strand). VCF-style: chr14-95090592-C-G. GRCh37 (hg19) VCF-style: chr14-95556929-C-G.
Other names: c.*22G>C (NM_001195573.1); c.5675G>C, p.Gly1892Ala (NM_001271282.3, NM_001291628.2, NM_030621.4); short protein forms G1892A.
Identifiers: ClinVar variation 1367710 (VCV001367710.9), dbSNP rs756385724, ClinGen allele CA7330603.

ClinVar aggregate classification (germline): Uncertain significance (1 of 4 stars; one submission).

Conditions:
DICER1-related tumor predisposition. Also called: DICER1-related pleuropulmonary blastoma cancer predisposition syndrome; DICER1 syndrome. Identifiers: Orphanet 284343, MedGen C3839822, MONDO:0100216.

Allele frequency attached by ClinVar (database versions not stated): gnomAD exomes below 0.00001; ExAC 0.00001.
gnomAD v4.1: 1 of 1,614,172 alleles (0.000062%); highest among the groups gnomAD compares: Non-Finnish European, 0.000085%; no homozygotes.

Submission:

Labcorp Genetics (formerly Invitae), Labcorp
Classification: Uncertain significance for DICER1-related tumor predisposition. Last evaluated: 2021-07-15. Review status: criteria provided, single submitter. Criteria: Invitae Variant Classification Sherloc (09022015). Collection method: clinical testing. Allele origin: germline.
Comment: Algorithms developed to predict the effect of missense changes on protein structure and function (SIFT, PolyPhen-2, Align-GVGD) all suggest that this variant is likely to be disruptive. This variant has not been reported in the literature in individuals affected with DICER1-related conditions. This variant is present in population databases (rs756385724, ExAC 0.001%). This sequence change replaces glycine with alanine at codon 1892 of the DICER1 protein (p.Gly1892Ala). The glycine residue is highly conserved and there is a small physicochemical difference between glycine and alanine. In summary, the available evidence is currently insufficient to determine the role of this variant in disease. Therefore, it has been classified as a Variant of Uncertain Significance.